The following is an entry in ClinVar:

NM_000138.5(FBN1):c.2064T>G (p.Thr688=)

Gene: FBN1 (fibrillin 1; minus strand). Cytogenetic location: 15q21.1.
Variant type: single nucleotide variant.
Coding change: c.2064T>G on transcript NM_000138.5 (MANE Select); coding-DNA position 2064, T replaced by G.
Protein change: p.Thr688=; no amino-acid change (threonine 688 retained).
Molecular consequence: synonymous variant.
Genome position (GRCh38, 1-based): chr15:48,503,836, A>C on the plus strand (T>G on the coding strand, the complement: FBN1 is on the minus strand). VCF-style: chr15-48503836-A-C. GRCh37 (hg19) VCF-style: chr15-48796033-A-C.
Other names: c.2064T>G, p.Thr688= (NM_001406716.1).
Identifiers: ClinVar variation 2773383 (VCV002773383.3), dbSNP rs2505590955, ClinGen allele CA490024178.
Genomic context (GRCh38, chr15:48,503,836, plus strand): 5'-ATACCACATACCTGAATTCTGTGCAGGACACGGCTGGCAAGGTTCCCCAAATGCATACTC[A>C]GTGCTGGCGCAACAGCATTCAGATTTAGTGACAGCACCAAACAAAGGTTTGATACACTGG-3'
Protein context (NP_000129.3, residues 678-698): VTKSECCCAS[Thr688=]EYAFGEPCQP

ClinVar aggregate classification (germline): Likely benign. Review status: criteria provided, multiple submitters, no conflicts (2 of 4 stars). 2 submissions from 2 submitters: Likely benign (2). Last evaluated 2023-07-19.

Conditions:
Familial thoracic aortic aneurysm and aortic dissection (TAAD). Also called: Thoracic aortic aneurysms and dissections. Identifiers: Orphanet 91387, MedGen C4707243, MONDO:0019625.
Marfan syndrome (MFS). Also called: FBN1-Related Marfan Syndrome; MARFAN SYNDROME, TYPE I; Marfan syndrome type 1; Marfan's syndrome; Marfan syndrome, classic. Identifiers: Orphanet 284963, Orphanet 558, MedGen C0024796, MONDO:0007947, OMIM 154700.

Submissions (2):

All of Us Research Program, National Institutes of Health
Classification: Likely benign for Marfan syndrome. Last evaluated: 2023-07-19. Review status: criteria provided, single submitter. Criteria: ACMG Guidelines, 2015. Collection method: clinical testing. Allele origin: germline. Inheritance: Autosomal dominant inheritance. Observed: 2 variant alleles, 2 heterozygotes.
Comment: This study involves interpretation of variants in research participants for the purpose of population health screening. Participant phenotype was not available at the time of variant classification. Additional details can be found in publication PMID: 35346344, PMCID: PMC8962531

Color Diagnostics, LLC DBA Color Health
Classification: Likely benign for Familial thoracic aortic aneurysm and aortic dissection. Last evaluated: 2022-11-06. Review status: criteria provided, single submitter. Criteria: ACMG Guidelines, 2015. Collection method: clinical testing. Allele origin: germline.